The following is an entry in ClinVar:

ClinVar aggregate classification (germline): Likely benign. Review status: reviewed by expert panel (3 of 4 stars). 13 submissions from 13 submitters: Likely benign (1). 12 of the submissions do not count toward it. Last evaluated 2017-06-29.

Conditions:
BRCA2-related disorder. Also called: BRCA2-related condition; BRCA2-related disorders. Identifiers: MedGen CN239275.
Hereditary cancer-predisposing syndrome. Also called: Hereditary Cancer Syndrome; Neoplastic Syndromes, Hereditary; Tumor predisposition; Hereditary neoplastic syndrome. Identifiers: Orphanet 140162, MedGen C0027672, MeSH D009386, MONDO:0015356.
Breast-ovarian cancer, familial, susceptibility to, 2 (BROVCA2). Also called: BRCA2 Hereditary Breast and Ovarian Cancer. Identifiers: Orphanet 145, MedGen C2675520, MONDO:0012933, OMIM 612555. Disease mechanism: loss of function.
Hereditary breast ovarian cancer syndrome. Also called: Hereditary breast and/or ovarian cancer syndrome; BRCA1- and BRCA2-Associated Hereditary Breast and Ovarian Cancer; Hereditary breast and ovarian cancer syndrome (HBOC); Hereditary breast and ovarian cancer; Hereditary breast and ovarian cancer syndrome; Breast and ovarian cancer. Identifiers: Orphanet 145, MedGen C0677776, MeSH D061325, MONDO:0003582. Disease mechanism: loss of function.

Allele frequency attached by ClinVar (database versions not stated): TOPMed below 0.00001; gnomAD 0.00001; ExAC 0.00002; gnomAD exomes 0.00002 and 0.00006.
gnomAD v4.1: 90 of 1,613,732 alleles (0.0056%); highest among the groups gnomAD compares: Non-Finnish European, 0.0073%; no homozygotes.

Submissions (13):

Evidence-based Network for the Interpretation of Germline Mutant Alleles (ENIGMA)
Classification: Likely benign for Breast-ovarian cancer, familial, susceptibility to, 2. Last evaluated: 2017-06-29. Review status: reviewed by expert panel. Criteria: ENIGMA BRCA1/2 Classification Criteria (2017-06-29). Collection method: curation. Allele origin: germline.
Comment: Synonymous substitution variant, with low bioinformatic likelihood to result in a splicing aberration (Splicing prior probability 0.02).

Labcorp Genetics (formerly Invitae), Labcorp
Classification: Likely benign for Hereditary breast ovarian cancer syndrome. Last evaluated: 2025-11-25. Review status: criteria provided, single submitter. Criteria: Invitae Variant Classification Sherloc (09022015). Collection method: clinical testing. Allele origin: germline. Not counted in ClinVar's aggregate classification.

Center for Genomic Medicine, Rigshospitalet, Copenhagen University Hospital
Classification: Likely benign. Last evaluated: 2025-03-04. Review status: criteria provided, single submitter. Criteria: ACMG Guidelines, 2015. Collection method: clinical testing. Allele origin: germline. Not counted in ClinVar's aggregate classification.

Women's Health and Genetics/Laboratory Corporation of America, LabCorp
Classification: Likely benign. Last evaluated: 2024-12-10. Review status: criteria provided, single submitter. Criteria: LabCorp Variant Classification Summary - May 2015. Collection method: clinical testing. Allele origin: germline. Not counted in ClinVar's aggregate classification.
Comment: Variant summary: BRCA2 c.2082T>C results in a synonymous change. Consensus agreement among computation tools predict no significant impact on normal splicing (TrAP). However, these predictions have yet to be confirmed by functional studies. The variant allele was found at a frequency of 1.6e-05 in 250590 control chromosomes. The available data on variant occurrences in the general population are insufficient to allow any conclusion about variant significance. To our knowledge, no occurrence of c.2082T>C in individuals affected with Hereditary Breast And Ovarian Cancer Syndrome and no experimental evidence demonstrating its impact on protein function have been reported. ClinVar contains an entry for this variant (Variation ID: 231240). Based on the evidence outlined above, the variant was classified as likely benign.

All of Us Research Program, National Institutes of Health
Classification: Likely benign for Breast-ovarian cancer, familial, susceptibility to, 2. Last evaluated: 2023-11-30. Review status: criteria provided, single submitter. Criteria: ACMG Guidelines, 2015. Collection method: clinical testing. Allele origin: germline. Inheritance: Autosomal dominant inheritance. Observed: 2 variant alleles, 2 heterozygotes. Not counted in ClinVar's aggregate classification.
Comment: This study involves interpretation of variants in research participants for the purpose of population health screening. Participant phenotype was not available at the time of variant classification. Additional details can be found in publication PMID: 35346344, PMCID: PMC8962531

Sema4
Classification: Likely benign for Hereditary cancer-predisposing syndrome. Last evaluated: 2021-05-21. Review status: criteria provided, single submitter. Criteria: Sema4 Curation Guidelines. Collection method: curation. Allele origin: germline. Not counted in ClinVar's aggregate classification.

ARUP Laboratories, Molecular Genetics and Genomics, ARUP Laboratories
Classification: Likely benign. Last evaluated: 2020-12-30. Review status: criteria provided, single submitter. Criteria: ARUP Molecular Germline Variant Investigation Process 2021. Collection method: clinical testing. Allele origin: germline. Not counted in ClinVar's aggregate classification.

Quest Diagnostics Nichols Institute San Juan Capistrano
Classification: Likely benign. Last evaluated: 2018-02-07. Review status: criteria provided, single submitter. Criteria: Quest Diagnostics criteria. Collection method: clinical testing. Allele origin: germline. Not counted in ClinVar's aggregate classification.

Color Diagnostics, LLC DBA Color Health
Classification: Likely benign for Hereditary cancer-predisposing syndrome. Last evaluated: 2017-08-02. Review status: criteria provided, single submitter. Criteria: ACMG Guidelines, 2015. Collection method: clinical testing. Allele origin: germline. Not counted in ClinVar's aggregate classification.

GeneDx
Classification: Likely benign. Last evaluated: 2017-07-31. Review status: criteria provided, single submitter. Criteria: GeneDx Variant Classification (06012015). Collection method: clinical testing. Allele origin: germline. Affected: yes. Not counted in ClinVar's aggregate classification.
Comment: This variant is considered likely benign or benign based on one or more of the following criteria: it is a conservative change, it occurs at a poorly conserved position in the protein, it is predicted to be benign by multiple in silico algorithms, and/or has population frequency not consistent with disease.

Ambry Genetics
Classification: Likely benign for Hereditary cancer-predisposing syndrome. Last evaluated: 2015-04-08. Review status: criteria provided, single submitter. Criteria: Ambry Variant Classification Scheme 2023. Collection method: clinical testing. Allele origin: germline. Not counted in ClinVar's aggregate classification.

PreventionGenetics, part of Exact Sciences
Classification: Likely benign for BRCA2-related condition. Last evaluated: 2022-05-27. Review status: no assertion criteria provided. Collection method: clinical testing. Allele origin: germline. Not counted in ClinVar's aggregate classification.
Comment: This variant is classified as likely benign based on ACMG/AMP sequence variant interpretation guidelines (Richards et al. 2015 PMID: 25741868, with internal and published modifications).

Department of Pathology and Laboratory Medicine, Sinai Health System
Classification: Likely benign. Review status: no assertion criteria provided. Collection method: clinical testing. Allele origin: unknown. Affected: yes. Study: The Canadian Open Genetics Repository (COGR). Not counted in ClinVar's aggregate classification.
Comment: The BRCA2 p.Asn694Asn variant was identified by Borg (2010) in one breast cancer patient; however control chromosomes from healthy individuals were not assessed in this study, thus the prevalence of this variant in the general population could not be determined. The variant was not identified in the dbSNP, NHLBI Exome Sequencing Project, HGMD, LOVD, COSMIC, or BIC databases. The variant is not expected to have clinical significance because it does not result in a change of amino acid and is not located in a known consensus splice site. In addition, 4 out of 5 in silico or computational prediction software programs (SpliceSiteFinder, MaxEntScan, NNSPLICE, GeneSplicer, HumanSpliceFinder) do not predict a greater than 10% difference in splicing. However, this information is not predictive enough to rule out pathogenicity. In summary, based on the above information, the clinical significance of this variant cannot be determined with certainty at this time although we would lean towards a more benign role for this variant. This variant is classified as predicted benign.

Literature cited by the submitters: PubMed 20104584 (cited by Women's Health and Genetics/Laboratory Corporation of America, LabCorp and Ambry Genetics).

NM_000059.4(BRCA2):c.2082T>C (p.Asn694=)

Gene: BRCA2 (BRCA2 DNA repair associated; plus strand). Cytogenetic location: 13q13.1.
Variant type: single nucleotide variant.
Coding change: c.2082T>C on transcript NM_000059.4 (MANE Select); coding-DNA position 2082, T replaced by C.
Protein change: p.Asn694=; no amino-acid change (asparagine 694 retained).
Molecular consequence: synonymous variant.
Genome position (GRCh38, 1-based): chr13:32,336,437, T>C. VCF-style: chr13-32336437-T-C. GRCh37 (hg19) VCF-style: chr13-32910574-T-C.
Identifiers: ClinVar variation 231240 (VCV000231240.38), dbSNP rs777141329, ClinGen allele CA6940578.
Genomic context (GRCh38, chr13:32,336,437, plus strand): 5'-AACATGTTCTAATAATACAGTAATCTCTCAGGATCTTGATTATAAAGAAGCAAAATGTAA[T>C]AAGGAAAAACTACAGTTATTTATTACCCCAGAAGCTGATTCTCTGTCATGCCTGCAGGAA-3'
Protein context (NP_000050.3, residues 684-704): QDLDYKEAKC[Asn694=]KEKLQLFITP